The following is an entry in ClinVar:

NM_054027.6(ANKH):c.409G>A (p.Ala137Thr)

Gene: ANKH (ANKH inorganic pyrophosphate transport regulator; minus strand). Cytogenetic location: 5p15.2.
Variant type: single nucleotide variant.
Coding change: c.409G>A on transcript NM_054027.6 (MANE Select); coding-DNA position 409, G replaced by A.
Protein change: p.Ala137Thr; replaces alanine 137 with threonine.
Molecular consequence: missense variant.
Genome position (GRCh38, 1-based): chr5:14,758,503, C>T on the plus strand (G>A on the coding strand, the complement: ANKH is on the minus strand). VCF-style: chr5-14758503-C-T. GRCh37 (hg19) VCF-style: chr5-14758612-C-T.
Other names: short protein forms A137T.
Identifiers: ClinVar variation 2721959 (VCV002721959.3), dbSNP rs776696718, ClinGen allele CA3209136.

ClinVar aggregate classification (germline): Uncertain significance (1 of 4 stars; one submission).

Allele frequency attached by ClinVar (database versions not stated): ExAC 0.00002; gnomAD exomes 0.00002.
gnomAD v4.1: 26 of 1,614,012 alleles (0.0016%); highest among the groups gnomAD compares: Non-Finnish European, 0.0021%; no homozygotes.

Submission:

Labcorp Genetics (formerly Invitae), Labcorp
Classification: Uncertain significance. Last evaluated: 2023-08-04. Review status: criteria provided, single submitter. Criteria: Invitae Variant Classification Sherloc (09022015). Collection method: clinical testing. Allele origin: germline.
Comment: In summary, the available evidence is currently insufficient to determine the role of this variant in disease. Therefore, it has been classified as a Variant of Uncertain Significance. Advanced modeling of protein sequence and biophysical properties (such as structural, functional, and spatial information, amino acid conservation, physicochemical variation, residue mobility, and thermodynamic stability) performed at Invitae indicates that this missense variant is not expected to disrupt ANKH protein function. This variant has not been reported in the literature in individuals affected with ANKH-related conditions. This variant is present in population databases (rs776696718, gnomAD 0.007%). This sequence change replaces alanine, which is neutral and non-polar, with threonine, which is neutral and polar, at codon 137 of the ANKH protein (p.Ala137Thr).